The following is an entry in ClinVar:

ClinVar aggregate classification (germline): Benign. Review status: criteria provided, multiple submitters, no conflicts (2 of 4 stars). 2 submissions from 2 submitters: Benign (2). Last evaluated 2018-01-13.

Conditions:
Porphobilinogen synthase deficiency. Also called: ALAD DEFICIENCY; DELTA-AMINOLEVULINATE DEHYDRATASE DEFICIENCY; DOSS PORPHYRIA; PORPHYRIA, ALAD; Porphyria due to ALA dehydratase deficiency. Identifiers: Orphanet 100924, MedGen C0268328, MONDO:0013000, OMIM 612740.

Allele frequency attached by ClinVar (database versions not stated): 1000 Genomes Project 0.78055; gnomAD 0.82956; 1000 Genomes Project 30x 0.78326; TOPMed 0.81556.

Submissions (2):

Illumina Laboratory Services, Illumina
Classification: Benign for Porphobilinogen synthase deficiency. Last evaluated: 2018-01-13. Review status: criteria provided, single submitter. Criteria: ICSL Variant Classification Criteria 13 December 2019. Collection method: clinical testing. Allele origin: germline.
Comment: This variant was observed in the ICSL laboratory as part of a predisposition screen in an ostensibly healthy population. It had not been previously curated by ICSL or reported in the Human Gene Mutation Database (HGMD: prior to June 1st, 2018), and was therefore a candidate for classification through an automated scoring system. Utilizing variant allele frequency, disease prevalence and penetrance estimates, and inheritance mode, an automated score was calculated to assess if this variant is too frequent to cause the disease. Based on the score and internal cut-off values, a variant classified as benign is not then subjected to further curation. The score for this variant resulted in a classification of benign for this disease.

Breakthrough Genomics
Classification: Benign. Review status: criteria provided, single submitter. Criteria: ACMG Guidelines, 2015. Collection method: not provided. Allele origin: germline. Inheritance: Autosomal recessive inheritance. Affected: yes.

NM_000031.6(ALAD):c.*1950G>A

Gene: ALAD (aminolevulinate dehydratase; minus strand). Cytogenetic location: 9q32.
Variant type: single nucleotide variant.
Coding change: c.*1950G>A on transcript NM_000031.6 (MANE Select); 1950 bases downstream of the stop codon, G replaced by A.
Molecular consequence: 3 prime UTR variant.
Genome position (GRCh38, 1-based): chr9:113,386,350, C>T on the plus strand (G>A on the coding strand, the complement: ALAD is on the minus strand). VCF-style: chr9-113386350-C-T. GRCh37 (hg19) VCF-style: chr9-116148630-C-T.
Other names: c.*1950G>A (NM_001003945.3, NM_001317745.2).
Identifiers: ClinVar variation 364618 (VCV000364618.6), dbSNP rs818706, ClinGen allele CA10626235.
Genomic context (GRCh38, chr9:113,386,350, plus strand): 5'-AAACAAGACATTCAGTAGAAACTGTACTTCAAATATTGAATTTTTATTCAAAATTCTTTA[C>T]AACTTTATTACAATATAGATTTTGTGTTGGATAGTTTTGCCCACTGTAGGCTAATGTAAG-3'